The following is an entry in ClinVar:

NM_000384.3(APOB):c.13663G>T (p.Ala4555Ser)

Genes: APOB (apolipoprotein B; minus strand), APOB3'MAR (APOB 3' scaffold/matrix attachment region; plus strand). Cytogenetic location: 2p24.1.
Variant type: single nucleotide variant.
Coding change: c.13663G>T on transcript NM_000384.3 (MANE Select); coding-DNA position 13663, G replaced by T.
Protein change: p.Ala4555Ser; replaces alanine 4555 with serine.
Molecular consequence: missense variant.
Genome position (GRCh38, 1-based): chr2:21,001,759, C>A on the plus strand (G>T on the coding strand, the complement: APOB is on the minus strand). VCF-style: chr2-21001759-C-A. GRCh37 (hg19) VCF-style: chr2-21224631-C-A.
Other names: short protein forms A4555S.
Identifiers: ClinVar variation 2451328 (VCV002451328.2), dbSNP rs1186038519, ClinGen allele CA345966713.

ClinVar aggregate classification (germline): Uncertain significance (1 of 4 stars; one submission).

Conditions:
Cardiovascular phenotype. Identifiers: MedGen CN230736.

Allele frequency attached by ClinVar (database versions not stated): TOPMed below 0.00001; gnomAD exomes 0.00001.
gnomAD v4.1: 11 of 1,613,910 alleles (0.00068%); highest among the groups gnomAD compares: Non-Finnish European, 0.00093%; no homozygotes.

Submission:

Ambry Genetics
Classification: Uncertain significance for Cardiovascular phenotype. Last evaluated: 2023-02-12. Review status: criteria provided, single submitter. Criteria: Ambry Variant Classification Scheme 2023. Collection method: clinical testing. Allele origin: germline.
Comment: The p.A4555S variant (also known as c.13663G>T), located in coding exon 29 of the APOB gene, results from a G to T substitution at nucleotide position 13663. The alanine at codon 4555 is replaced by serine, an amino acid with similar properties. This amino acid position is conserved. In addition, this alteration is predicted to be tolerated by in silico analysis. Since supporting evidence is limited at this time, the clinical significance of this alteration remains unclear.